The following is an entry in ClinVar:

ClinVar aggregate classification (germline): Uncertain significance (1 of 4 stars; one submission).

Submission:

GeneDx
Classification: Uncertain significance. Last evaluated: 2016-10-14. Review status: criteria provided, single submitter. Criteria: GeneDx Variant Classification (06012015). Collection method: clinical testing. Allele origin: germline. Affected: yes.
Comment: A variant of uncertain significance has been identified in the DEAF1 gene. The c.762_764delAAG variant has not been published as a pathogenic variant, nor has it been reported as a benign variant to our knowledge. It was not observed in approximately 6,500 individuals of European and African American ancestry in the NHLBI Exome Sequencing Project, indicating it is not a common benign variant in these populations. The c.762_764delAAG variant results in the in-frame deletion of a single Arginine residue, denoted p.Arg254del. The deleted residue is conserved across species and is predicted to occur in the functionally important SAND domain of the protein. However, the c.762_764delAAG variant is not predicted to cause loss of normal protein function through protein truncation or nonsense-mediated mRNA decay. Based on the currently available information, it is unclear whether this variant is a pathogenic variant or a rare benign variant.

NM_021008.4(DEAF1):c.759AAG[1] (p.Arg254del)

Gene: DEAF1 (DEAF1 transcription factor; minus strand). Cytogenetic location: 11p15.5.
Variant type: Microsatellite.
Coding change: c.759AAG[1] on transcript NM_021008.4 (MANE Select); one copy of the 3-base unit AAG starting at c.759; the reference has two copies in a row; one copy, 3 bases deleted.
Protein change: p.Arg254del; deletes arginine 254.
Molecular consequence: inframe deletion. On other transcripts: intron variant (1).
Genome position (GRCh38, 1-based): chr11:686,898-686,900, CTT deleted on the plus strand (AAG on the coding strand, the reverse complement: DEAF1 is on the minus strand); deleting any 3 consecutive bases within chr11:686,898-686,903 gives the same sequence; the position shown is the placement nearest the transcript's 3' end. VCF-style (leftmost placement, unchanged base first): chr11-686897-GCTT-G. GRCh37 (hg19) VCF-style: chr11-686897-GCTT-G.
Other names: c.33AAG[1], p.Arg12del (NM_001367390.1, NM_001440885.1, NM_001440886.1 and 1 more transcripts); c.759AAG[1], p.Arg254del (NM_001440883.1, NM_001440884.1); c.664+1011_664+1013del (NM_001293634.2); short protein forms R254del, R12del.
Identifiers: ClinVar variation 422379 (VCV000422379.2), dbSNP rs1064795740, ClinGen allele CA16619390.
Genomic context (GRCh38, chr11:686,897, plus strand): 5'-AGGTGAGGTCACGGACGATACCTGGATGAGGCACTGCAAGGGTCGGCCCGCGTAGCGAAT[GCTT>G]CTTTTCCAGTCCTTACTGCTGGCTCTTCCTGCCATGGCCTCAAACTCGGTGGGACTGTAC-3'